The following is an entry in ClinVar:

NM_000352.6(ABCC8):c.239T>G (p.Met80Arg)

Gene: ABCC8 (ATP binding cassette subfamily C member 8; minus strand). Cytogenetic location: 11p15.1.
Variant type: single nucleotide variant.
Coding change: c.239T>G on transcript NM_000352.6 (MANE Select); coding-DNA position 239, T replaced by G.
Protein change: p.Met80Arg; replaces methionine 80 with arginine.
Molecular consequence: missense variant. On other transcripts: non-coding transcript variant (1).
Genome position (GRCh38, 1-based): chr11:17,474,937, A>C on the plus strand (T>G on the coding strand, the complement: ABCC8 is on the minus strand). VCF-style: chr11-17474937-A-C. GRCh37 (hg19) VCF-style: chr11-17496484-A-C.
Other names: NM_000352.6(ABCC8):c.239T>G; p.Met80Arg; c.239T>G (NM_000352.4); c.239T>G, p.Met80Arg (NM_001287174.3, NM_001351295.2, NM_001351296.2 and 1 more transcripts); short protein forms M80R.
Identifiers: ClinVar variation 210073 (VCV000210073.10), dbSNP rs797045208, ClinGen allele CA277044.

ClinVar aggregate classification (germline): Conflicting classifications of pathogenicity. Review status: criteria provided, conflicting classifications (1 of 4 stars). 5 submissions from 5 submitters: Likely pathogenic (4); Uncertain significance (1). Last evaluated 2026-01-06.

Conditions:
Hereditary hyperinsulinism.
Diabetes mellitus, permanent neonatal 3. Also called: ABCC8-Related Permanent Neonatal Diabetes Mellitus. Identifiers: MedGen C5394303, MONDO:0030088, OMIM 618857.
Diabetes mellitus, transient neonatal, 2 (TNDM2). Identifiers: Orphanet 99886, MedGen C1835887, MONDO:0012480, OMIM 610374. Disease mechanism: loss of function.
Type 2 diabetes mellitus. Also called: Type II diabetes mellitus. Identifiers: MedGen C0011860, MeSH D003924, MONDO:0005148, OMIM 125853, HP:0005978.
Hyperinsulinemic hypoglycemia, familial, 1 (HHF1). Also called: Persistent Hyperinsulinemia Hypoglycemia of Infancy; Persistent hyperinsulinemic hypoglycemia of infancy; HYPERINSULINISM, FAMILIAL, WITH PANCREATIC NESIDIOBLASTOSIS; HYPOGLYCEMIA, HYPERINSULINEMIC, OF INFANCY; NESIDIOBLASTOSIS OF PANCREAS. Identifiers: Orphanet 276575, Orphanet 276598, MedGen C2931832, MONDO:0009734, OMIM 256450.
Leucine-induced hypoglycemia (LIH). Also called: LEUCINE-SENSITIVE HYPOGLYCEMIA OF INFANCY. Identifiers: MedGen C0271714, MONDO:0009415, OMIM 240800.

Allele frequency attached by ClinVar (database versions not stated): gnomAD exomes below 0.00001; TOPMed 0.00001.
gnomAD v4.1: 6 of 1,614,218 alleles (0.00037%); highest among the groups gnomAD compares: Non-Finnish European, 0.00051%; no homozygotes.

Submissions (5):

Myriad Genetics, Inc.
Classification: Likely pathogenic for Hyperinsulinemic hypoglycemia, familial, 1. Last evaluated: 2026-01-06. Review status: criteria provided, single submitter. Criteria: Myriad Autosomal Dominant, Autosomal Recessive and X-Linked Classification Criteria (2023). Collection method: clinical testing. Allele origin: unknown.
Comment: NM_000352.3(ABCC8):c.239T>G(M80R) is a missense variant classified as likely pathogenic in the context of familial hyperinsulinism, ABCC8-related. M80R has been observed in cases with relevant disease (PMID: 17378627, 23275527, 25622923, 28442472). Relevant functional assessments of this variant are available in the literature (PMID: 27573238). M80R has not been observed in referenced population frequency databases. In summary, NM_000352.3(ABCC8):c.239T>G(M80R) is a missense variant that has functional support for pathogenicity and has been observed more frequently in cases with the relevant disease than in healthy populations. Please note: this variant was assessed in the context of healthy population screening.

Natera, Inc.
Classification: Likely pathogenic for Hereditary hyperinsulinism. Last evaluated: 2025-07-18. Review status: criteria provided, single submitter. Criteria: Natera Variant Classification Schema (03/2026). Collection method: clinical testing. Allele origin: germline.
Comment: The c.239T>G variant in ABCC8 is a missense variant predicted to cause substitution of methionine to arginine at amino acid 80. This variant is rare in the general population with a frequency below the threshold expected for the associated phenotype(s). This variant has been observed in affected individual(s) with monoallelic occurrence (heterozygous/hemizygous) (PMID: 17378627, 23275527, 25622923). Functional studies show that this variant may disrupt protein function (PMID: 27573238). Computational prediction algorithms indicate this variant is likely to affect gene or protein function. Given the available evidence, this variant is classified as Likely Pathogenic.

Fulgent Genetics
Classification: Likely pathogenic for Type 2 diabetes mellitus; Leucine-induced hypoglycemia; Hyperinsulinemic hypoglycemia, familial, 1; Diabetes mellitus, transient neonatal, 2; Diabetes mellitus, permanent neonatal 3. Last evaluated: 2024-04-19. Review status: criteria provided, single submitter. Criteria: ACMG Guidelines, 2015. Collection method: clinical testing. Allele origin: germline.

Broad Center for Mendelian Genomics, Broad Institute of MIT and Harvard
Classification: Uncertain significance for Hyperinsulinemic hypoglycemia, familial, 1. Last evaluated: 2023-08-16. Review status: criteria provided, single submitter. Criteria: ACMG Guidelines, 2015. Collection method: curation. Allele origin: germline. Inheritance: Autosomal recessive inheritance.
Comment: The p.Met80Arg variant in ABCC8 has been previously reported in 2 individuals with hyperinsulinemic hypoglycemia (PMID: 17378627, 28442472), and has been seen in 0.0009% (1/113722) of European (non-Finnish) chromosomes by the Genome Aggregation Database (gnomAD; dbSNP: rs797045208). Although this variant has been seen in the general population in a heterozygous state, its frequency is low enough to be consistent with a recessive carrier frequency. This variant has also been reported in ClinVar (Variation ID: 210073) and has been interpreted as likely pathogenic by Genetic Services Laboratory (University of Chicago). Of the 2 affected individuals, 1 was a compound heterozygote that carried a reported pathogenic variant in trans, which increases the likelihood that the p.Met80Arg variant is pathogenic (PMID: 17378627). In vitro functional studies provide some evidence that the p.Met80Arg variant may slightly impact protein function (PMID: 31821855). However, these types of assays may not accurately represent biological function. Computational prediction tools and conservation analyses do not provide strong support for or against an impact to the protein. In summary, the clinical significance of the p.Met80Arg variant is uncertain. ACMG/AMP Criteria applied: PM3, PS3_supporting, PM2_supporting (Richards 2015).

Genetic Services Laboratory, University of Chicago
Classification: Likely pathogenic for Hyperinsulinemic hypoglycemia, familial, 1. Last evaluated: 2014-06-11. Review status: criteria provided, single submitter. Criteria: ACMG Guidelines, 2015. Collection method: clinical testing. Allele origin: germline. Affected: yes.

Literature cited by the submitters: PubMed 17378627 (cited by Myriad Genetics, Inc. and Natera, Inc.); PubMed 23275527 (cited by Myriad Genetics, Inc. and Natera, Inc.); PubMed 25622923 (cited by Myriad Genetics, Inc. and Natera, Inc.); PubMed 27573238 (cited by Myriad Genetics, Inc. and Natera, Inc.); PubMed 28442472 (cited by Myriad Genetics, Inc.); PubMed 31821855 (cited by Broad Center for Mendelian Genomics, Broad Institute of MIT and Harvard).